The following is an entry in ClinVar:

NM_006939.4(SOS2):c.181A>G (p.Met61Val)

Gene: SOS2 (SOS Ras/Rho guanine nucleotide exchange factor 2; minus strand). Cytogenetic location: 14q21.3.
Variant type: single nucleotide variant.
Coding change: c.181A>G on transcript NM_006939.4 (MANE Select); coding-DNA position 181, A replaced by G.
Protein change: p.Met61Val; replaces methionine 61 with valine.
Molecular consequence: missense variant.
Genome position (GRCh38, 1-based): chr14:50,204,316, T>C on the plus strand (A>G on the coding strand, the complement: SOS2 is on the minus strand). VCF-style: chr14-50204316-T-C. GRCh37 (hg19) VCF-style: chr14-50671034-T-C.
Other names: short protein forms M61V.
Identifiers: ClinVar variation 1428574 (VCV001428574.9), dbSNP rs774761716, ClinGen allele CA7177597.

ClinVar aggregate classification (germline): Uncertain significance. Review status: criteria provided, multiple submitters, no conflicts (2 of 4 stars). 3 submissions from 3 submitters: Uncertain significance (3). Last evaluated 2023-02-09.

Conditions:
Cardiovascular phenotype. Identifiers: MedGen CN230736.
Noonan syndrome 9 (NS9). Identifiers: Orphanet 648, MedGen C4225282, MONDO:0014691, OMIM 616559.

Allele frequency attached by ClinVar (database versions not stated): gnomAD exomes below 0.00001; TOPMed below 0.00001; ExAC 0.00001.
gnomAD v4.1: 3 of 1,604,842 alleles (0.00019%); highest among the groups gnomAD compares: Admixed American, 0.0017%; no homozygotes.

Submissions (3):

Labcorp Genetics (formerly Invitae), Labcorp
Classification: Uncertain significance for Noonan syndrome 9. Last evaluated: 2023-02-09. Review status: criteria provided, single submitter. Criteria: Invitae Variant Classification Sherloc (09022015). Collection method: clinical testing. Allele origin: germline.
Comment: In summary, the available evidence is currently insufficient to determine the role of this variant in disease. Therefore, it has been classified as a Variant of Uncertain Significance. Advanced modeling of protein sequence and biophysical properties (such as structural, functional, and spatial information, amino acid conservation, physicochemical variation, residue mobility, and thermodynamic stability) performed at Invitae indicates that this missense variant is not expected to disrupt SOS2 protein function. ClinVar contains an entry for this variant (Variation ID: 1428574). This variant has not been reported in the literature in individuals affected with SOS2-related conditions. This variant is present in population databases (rs774761716, gnomAD 0.0009%). This sequence change replaces methionine, which is neutral and non-polar, with valine, which is neutral and non-polar, at codon 61 of the SOS2 protein (p.Met61Val).

Ambry Genetics
Classification: Uncertain significance for Cardiovascular phenotype. Last evaluated: 2021-09-20. Review status: criteria provided, single submitter. Criteria: Ambry Variant Classification Scheme 2023. Collection method: clinical testing. Allele origin: germline.
Comment: The p.M61V variant (also known as c.181A>G), located in coding exon 2 of the SOS2 gene, results from an A to G substitution at nucleotide position 181. The methionine at codon 61 is replaced by valine, an amino acid with highly similar properties. This amino acid position is conserved. In addition, this alteration is predicted to be tolerated by in silico analysis. Since supporting evidence is limited at this time, the clinical significance of this alteration remains unclear.

Genome-Nilou Lab
Classification: Uncertain significance for Noonan syndrome 9. Review status: criteria provided, single submitter. Criteria: ACMG Guidelines, 2015. Collection method: clinical testing. Allele origin: germline.